The following is an entry in ClinVar:

ClinVar aggregate classification (germline): Conflicting classifications of pathogenicity. Review status: criteria provided, conflicting classifications (1 of 4 stars). 3 submissions from 3 submitters: Uncertain significance (2); Likely benign (1). Last evaluated 2024-10-22.

Conditions:
RASopathy. Also called: Noonan spectrum disorder; rasopathies. Identifiers: Orphanet 536391, MedGen C5555857, MONDO:0021060.
Cardiovascular phenotype. Identifiers: MedGen CN230736.

Submissions (3):

Ambry Genetics
Classification: Likely benign for Cardiovascular phenotype. Last evaluated: 2024-10-22. Review status: criteria provided, single submitter. Criteria: Ambry Variant Classification Scheme 2023. Collection method: clinical testing. Allele origin: germline.

Labcorp Genetics (formerly Invitae), Labcorp
Classification: Uncertain significance for RASopathy. Last evaluated: 2022-11-28. Review status: criteria provided, single submitter. Criteria: Invitae Variant Classification Sherloc (09022015). Collection method: clinical testing. Allele origin: germline.
Comment: This sequence change replaces methionine, which is neutral and non-polar, with valine, which is neutral and non-polar, at codon 450 of the PTPN11 protein (p.Met450Val). This variant is not present in population databases (gnomAD no frequency). This variant has not been reported in the literature in individuals affected with PTPN11-related conditions. ClinVar contains an entry for this variant (Variation ID: 1517126). Advanced modeling of protein sequence and biophysical properties (such as structural, functional, and spatial information, amino acid conservation, physicochemical variation, residue mobility, and thermodynamic stability) performed at Invitae indicates that this missense variant is not expected to disrupt PTPN11 protein function. In summary, the available evidence is currently insufficient to determine the role of this variant in disease. Therefore, it has been classified as a Variant of Uncertain Significance.

Greenwood Genetic Center Diagnostic Laboratories, Greenwood Genetic Center
Classification: Uncertain significance. Last evaluated: 2022-04-27. Review status: criteria provided, single submitter. Criteria: ACMG Guidelines, 2015. Collection method: clinical testing. Allele origin: germline. Affected: yes.
Comment: PM2 PP2

NM_002834.5(PTPN11):c.1348A>G (p.Met450Val)

Gene: PTPN11 (protein tyrosine phosphatase non-receptor type 11; plus strand). Cytogenetic location: 12q24.13.
Variant type: single nucleotide variant.
Coding change: c.1348A>G on transcript NM_002834.5 (MANE Select); coding-DNA position 1348, A replaced by G.
Protein change: p.Met450Val; replaces methionine 450 with valine.
Molecular consequence: missense variant.
Genome position (GRCh38, 1-based): chr12:112,486,598, A>G. VCF-style: chr12-112486598-A-G. GRCh37 (hg19) VCF-style: chr12-112924402-A-G.
Other names: c.1348A>G (NM_002834.3); c.1360A>G, p.Met454Val (NM_001330437.2); c.1345A>G, p.Met449Val (NM_001374625.1); c.1348A>G, p.Met450Val (NM_080601.3); short protein forms M449V, M450V, M454V.
Identifiers: ClinVar variation 1517126 (VCV001517126.9), dbSNP rs2038680566, ClinGen allele CA386777611.
Genomic context (GRCh38, chr12:112,486,598, plus strand): 5'-AGCGACCCTGGGGGCGTGCTGGACTTCCTGGAGGAGGTGCACCATAAGCAGGAGAGCATC[A>G]TGGATGCAGGGCCGGTCGTGGTGCACTGCAGGTGACAGCTCCTGCTGCCCCTCTAGGCCA-3'
Protein context (NP_002825.3, residues 440-460): EEVHHKQESI[Met450Val]DAGPVVVHCS